The following is an entry in ClinVar:

ClinVar aggregate classification (germline): Uncertain significance. Review status: criteria provided, multiple submitters, no conflicts (2 of 4 stars). 2 submissions from 2 submitters: Uncertain significance (2). Last evaluated 2024-04-24.

Conditions:
Alstrom syndrome (ALMS). Identifiers: Orphanet 64, MedGen C0268425, MONDO:0008763, OMIM 203800.
Cardiovascular phenotype. Identifiers: MedGen CN230736.

Allele frequency attached by ClinVar (database versions not stated): gnomAD exomes below 0.00001; ExAC 0.00001; gnomAD 0.00001.
gnomAD v4.1: 4 of 1,614,012 alleles (0.00025%); highest among the groups gnomAD compares: African/African-American, 0.0013%; no homozygotes.

Submissions (2):

Labcorp Genetics (formerly Invitae), Labcorp
Classification: Uncertain significance for Alstrom syndrome. Last evaluated: 2024-04-24. Review status: criteria provided, single submitter. Criteria: Invitae Variant Classification Sherloc (09022015). Collection method: clinical testing. Allele origin: germline.
Comment: This sequence change replaces tyrosine, which is neutral and polar, with cysteine, which is neutral and slightly polar, at codon 340 of the ALMS1 protein (p.Tyr340Cys). This variant is present in population databases (rs776481158, gnomAD 0.004%). This variant has not been reported in the literature in individuals affected with ALMS1-related conditions. ClinVar contains an entry for this variant (Variation ID: 1752367). Experimental studies and prediction algorithms are not available or were not evaluated, and the functional significance of this variant is currently unknown. In summary, the available evidence is currently insufficient to determine the role of this variant in disease. Therefore, it has been classified as a Variant of Uncertain Significance.

Ambry Genetics
Classification: Uncertain significance for Cardiovascular phenotype. Last evaluated: 2021-02-03. Review status: criteria provided, single submitter. Criteria: Ambry Variant Classification Scheme 2023. Collection method: clinical testing. Allele origin: germline.
Comment: The p.Y340C variant (also known as c.1019A>G), located in coding exon 5 of the ALMS1 gene, results from an A to G substitution at nucleotide position 1019. The tyrosine at codon 340 is replaced by cysteine, an amino acid with highly dissimilar properties. This amino acid position is well conserved in available vertebrate species; however, cysteine is the reference amino acid in other vertebrate species. In addition, this alteration is predicted to be tolerated by in silico analysis. Since supporting evidence is limited at this time, the clinical significance of this alteration remains unclear.

NM_001378454.1(ALMS1):c.1016A>G (p.Tyr339Cys)

Gene: ALMS1 (ALMS1 centrosome and basal body associated protein; plus strand). Cytogenetic location: 2p13.1.
Variant type: single nucleotide variant.
Coding change: c.1016A>G on transcript NM_001378454.1 (MANE Select); coding-DNA position 1016, A replaced by G.
Protein change: p.Tyr339Cys; replaces tyrosine 339 with cysteine.
Molecular consequence: missense variant.
Genome position (GRCh38, 1-based): chr2:73,424,681, A>G. VCF-style: chr2-73424681-A-G. GRCh37 (hg19) VCF-style: chr2-73651809-A-G.
Other names: c.1019A>G, p.Tyr340Cys (NM_015120.4); short protein forms Y339C, Y340C.
Identifiers: ClinVar variation 1752367 (VCV001752367.4), dbSNP rs776481158, ClinGen allele CA1713032.